The following is an entry in ClinVar:

ClinVar aggregate classification (germline): Pathogenic (1 of 4 stars; one submission).

Conditions:
Aortic aneurysm, familial thoracic 4 (AAT4). Also called: AORTIC ANEURYSM/AORTIC DISSECTION AND PATENT DUCTUS ARTERIOSUS. Identifiers: MedGen C1851504, MONDO:0007568, OMIM 132900.

Submission:

Labcorp Genetics (formerly Invitae), Labcorp
Classification: Pathogenic for Aortic aneurysm, familial thoracic 4. Last evaluated: 2025-10-14. Review status: criteria provided, single submitter. Criteria: Invitae Variant Classification Sherloc (09022015). Collection method: clinical testing. Allele origin: germline.
Comment: This sequence change creates a premature translational stop signal (p.Asn1031Ilefs*5) in the MYH11 gene. It is expected to result in an absent or disrupted protein product. Loss-of-function variants in MYH11 are known to be pathogenic (PMID: 25407000, 29575632). This variant is present in population databases (rs780046090, gnomAD 0.0009%). This variant has not been reported in the literature in individuals affected with MYH11-related conditions. For these reasons, this variant has been classified as Pathogenic.

Literature cited by the submitters: PubMed 25407000; PubMed 29575632.

NM_002474.3(MYH11):c.3071del (p.Asn1024fs)

Gene: MYH11 (myosin heavy chain 11; minus strand). Cytogenetic location: 16p13.11.
Variant type: Deletion.
Coding change: c.3071del on transcript NM_002474.3 (MANE Select); coding-DNA position 3071, one base deleted (A; older notation c.3071delA).
Protein change: p.Asn1024fs; shifts the reading frame from asparagine 1024.
Molecular consequence: frameshift variant.
Genome position (GRCh38, 1-based): chr16:15,738,615, T deleted on the plus strand (A on the coding strand, the reverse complement: MYH11 is on the minus strand); the first of 2 consecutive T bases (chr16:15,738,615-15,738,616); deleting either gives the same sequence. VCF-style (leftmost placement, unchanged base first): chr16-15738614-AT-A. GRCh37 (hg19) VCF-style: chr16-15832471-AT-A.
Other names: c.3092del, p.Asn1031fs (NM_001040113.2, NM_001040114.2); c.3071del, p.Asn1024fs (NM_022844.3); short protein forms N1024fs, N1031fs.
Identifiers: ClinVar variation 4808176 (VCV004808176.1).
Genomic context (GRCh38, chr16:15,738,614, plus strand): 5'-AGCTGGTTTACCTTCCAGTTCTGAAATCATAGATTCATGCTTGTTTTTCAGCTTGGTAAG[AT>A]TCTTGGCCTTTTCTTCCTCTTCTGCAAGATTTGTCGTTAAGTCACTAATCCTCTCCTCAA-3'